The following is an entry in ClinVar:

NM_015164.4(PLEKHM2):c.406C>G (p.Leu136Val)

Gene: PLEKHM2 (pleckstrin homology and RUN domain containing M2; plus strand). Cytogenetic location: 1p36.21.
Variant type: single nucleotide variant.
Coding change: c.406C>G on transcript NM_015164.4 (MANE Select); coding-DNA position 406, C replaced by G.
Protein change: p.Leu136Val; replaces leucine 136 with valine.
Molecular consequence: missense variant.
Genome position (GRCh38, 1-based): chr1:15,718,566, C>G. VCF-style: chr1-15718566-C-G. GRCh37 (hg19) VCF-style: chr1-16045061-C-G.
Other names: c.406C>G, p.Leu136Val (NM_001410755.1); short protein forms L136V.
Identifiers: ClinVar variation 2881863 (VCV002881863.3), dbSNP rs1407062199, ClinGen allele CA338579631.

ClinVar aggregate classification (germline): Uncertain significance (1 of 4 stars; one submission).

Submission:

Labcorp Genetics (formerly Invitae), Labcorp
Classification: Uncertain significance. Last evaluated: 2025-08-04. Review status: criteria provided, single submitter. Criteria: Invitae Variant Classification Sherloc (09022015). Collection method: clinical testing. Allele origin: germline.
Comment: This sequence change replaces leucine, which is neutral and non-polar, with valine, which is neutral and non-polar, at codon 136 of the PLEKHM2 protein (p.Leu136Val). This variant is not present in population databases (gnomAD no frequency). This variant has not been reported in the literature in individuals affected with PLEKHM2-related conditions. ClinVar contains an entry for this variant (Variation ID: 2881863). An algorithm developed to predict the effect of missense changes on protein structure and function (PolyPhen-2) suggests that this variant is likely to be disruptive. In summary, the available evidence is currently insufficient to determine the role of this variant in disease. Therefore, it has been classified as a Variant of Uncertain Significance.